The following is an entry in ClinVar:

NM_000311.5(PRNP):c.353C>T (p.Ala118Val)

Gene: PRNP (prion protein (Kanno blood group); plus strand). Cytogenetic location: 20p13.
Variant type: single nucleotide variant.
Coding change: c.353C>T on transcript NM_000311.5 (MANE Select); coding-DNA position 353, C replaced by T.
Protein change: p.Ala118Val; replaces alanine 118 with valine.
Molecular consequence: missense variant. On other transcripts: 3 prime UTR variant (1).
Genome position (GRCh38, 1-based): chr20:4,699,573, C>T. VCF-style: chr20-4699573-C-T. GRCh37 (hg19) VCF-style: chr20-4680219-C-T.
Other names: c.353C>T, p.Ala118Val (NM_001080121.3, NM_001080122.3, NM_001080123.3 and 1 more transcripts); c.*42C>T (NM_001271561.3); short protein forms A118V.
Identifiers: ClinVar variation 4819098 (VCV004819098.1).

ClinVar aggregate classification (germline): Likely pathogenic (1 of 4 stars; one submission).

Conditions:
Gerstmann-Straussler-Scheinker syndrome (GSD). Also called: GERSTMANN-STRAUSSLER DISEASE; CEREBELLAR ATAXIA, PROGRESSIVE DEMENTIA, AND AMYLOID DEPOSITS IN CNS; PRION DEMENTIA; Spongiform encephalopathy; Cerebellar ataxia, progressive dementia, and amyloid deposits in the central nervous system; Encephalopathy subacute spongiform Gerstmann-Straussler type. Identifiers: Orphanet 356, MedGen C0017495, MONDO:0007656, OMIM 137440.

Submission:

Ozbek Human Genetics Laboratory, Izmir Biomedicine and Genome Center
Classification: Likely pathogenic for Gerstmann-Straussler-Scheinker syndrome. Last evaluated: 2026-02-03. Review status: criteria provided, single submitter. Criteria: ACMG Guidelines, 2015. Collection method: research. Allele origin: de novo. Affected: yes. Observed: 1 variant allele, 1 heterozygote.
Comment: A heterozygous p.Ala118Val missense variant was detected in exon 2 of the PRNP gene (NM_000311.5). This variant is rarely observed in population databases (PM2). The relevant location is defined in the UniProt database as a mutational hotspot where pathogenic variants are frequently observed (PM1). The PRNP gene is associated with the autosomal dominantly inherited "Gerstmann-Straussler disease" in the OMIM database. Data obtained via the RAREBOOST project (Horizon 2020 ERA Chairs at Izmir Biomedicine and Genome Center - IBG)